The following is an entry in ClinVar:

NM_020975.6(RET):c.14C>G (p.Thr5Arg)

Genes: RET (ret proto-oncogene; plus strand), LOC106736614 (RET 5' regulatory region; plus strand). Cytogenetic location: 10q11.21.
Variant type: single nucleotide variant.
Coding change: c.14C>G on transcript NM_020975.6 (MANE Select); coding-DNA position 14, C replaced by G.
Protein change: p.Thr5Arg; replaces threonine 5 with arginine.
Molecular consequence: missense variant.
Genome position (GRCh38, 1-based): chr10:43,077,272, C>G. VCF-style: chr10-43077272-C-G. GRCh37 (hg19) VCF-style: chr10-43572720-C-G.
Other names: c.14C>G, p.Thr5Arg (NM_020629.2, NM_020630.7, NM_000323.2 and 38 more transcripts); short protein forms T5R.
Identifiers: ClinVar variation 840153 (VCV000840153.10), dbSNP rs1444096302, ClinGen allele CA376768022.

ClinVar aggregate classification (germline): Uncertain significance (1 of 4 stars; one submission).

Conditions:
Multiple endocrine neoplasia, type 2 (MEN2). Identifiers: Orphanet 653, MedGen C4048306, MONDO:0019003. Disease mechanism: gain of function.

Submission:

Labcorp Genetics (formerly Invitae), Labcorp
Classification: Uncertain significance for Multiple endocrine neoplasia, type 2. Last evaluated: 2019-01-29. Review status: criteria provided, single submitter. Criteria: Invitae Variant Classification Sherloc (09022015). Collection method: clinical testing. Allele origin: germline.
Comment: In summary, the available evidence is currently insufficient to determine the role of this variant in disease. Therefore, it has been classified as a Variant of Uncertain Significance. The frequency data for this variant in the population databases is considered unreliable, as metrics indicate insufficient coverage at this position in the ExAC database. This variant has not been reported in the literature in individuals with RET-related conditions. Algorithms developed to predict the effect of missense changes on protein structure and function are either unavailable or do not agree on the potential impact of this missense change (SIFT: "Tolerated"; PolyPhen-2: "Possibly Damaging"; Align-GVGD: "Class C0"). This sequence change replaces threonine with arginine at codon 5 of the RET protein (p.Thr5Arg). The threonine residue is weakly conserved and there is a moderate physicochemical difference between threonine and arginine.